The following is an entry in ClinVar:

NM_003072.5(SMARCA4):c.4136A>G (p.Tyr1379Cys)

Gene: SMARCA4 (SWI/SNF related BAF chromatin remodeling complex subunit ATPase 4; plus strand). Cytogenetic location: 19p13.2.
Variant type: single nucleotide variant.
Coding change: c.4136A>G on transcript NM_003072.5 (MANE Select); coding-DNA position 4136, A replaced by G.
Protein change: p.Tyr1379Cys; replaces tyrosine 1379 with cysteine.
Molecular consequence: missense variant. On other transcripts: non-coding transcript variant (1).
Genome position (GRCh38, 1-based): chr19:11,035,098, A>G. VCF-style: chr19-11035098-A-G. GRCh37 (hg19) VCF-style: chr19-11145774-A-G.
Other names: c.4037A>G, p.Tyr1346Cys (NM_001374457.1, NM_001411150.1, NM_001128845.2 and 3 more transcripts); c.4136A>G, p.Tyr1379Cys (NM_001387283.1, NM_001128844.3, NM_001128849.3); short protein forms Y1379C, Y1346C.
Identifiers: ClinVar variation 3798903 (VCV003798903.1).

ClinVar aggregate classification (germline): Uncertain significance (1 of 4 stars; one submission).

Conditions:
Hereditary cancer-predisposing syndrome. Also called: Neoplastic Syndromes, Hereditary; Hereditary Cancer Syndrome; Tumor predisposition; Hereditary neoplastic syndrome. Identifiers: Orphanet 140162, MedGen C0027672, MeSH D009386, MONDO:0015356.

Submission:

Ambry Genetics
Classification: Uncertain significance for Hereditary cancer-predisposing syndrome. Last evaluated: 2025-01-15. Review status: criteria provided, single submitter. Criteria: Ambry Variant Classification Scheme 2023. Collection method: clinical testing. Allele origin: germline.
Comment: The p.Y1379C variant (also known as c.4136A>G), located in coding exon 28 of the SMARCA4 gene, results from an A to G substitution at nucleotide position 4136. The tyrosine at codon 1379 is replaced by cysteine, an amino acid with highly dissimilar properties. This amino acid position is conserved. In addition, this alteration is predicted to be deleterious by in silico analysis. Based on the available evidence, the clinical significance of this variant remains unclear.